The following is an entry in ClinVar:

ClinVar aggregate classification (germline): Pathogenic/Likely pathogenic. Review status: criteria provided, multiple submitters, no conflicts (2 of 4 stars). 2 submissions from 2 submitters: Pathogenic (1); Likely pathogenic (1). Last evaluated 2025-02-22.

Conditions:
Polycystic kidney disease 2 (PKD2). Also called: Polycystic Kidney Disease 2, Autosomal Dominant; POLYCYSTIC KIDNEY DISEASE 2 WITH OR WITHOUT POLYCYSTIC LIVER DISEASE; POLYCYSTIC KIDNEY DISEASE, ADULT, TYPE II. Identifiers: MedGen C2751306, MONDO:0013131, OMIM 613095.
PKD2-related disorder. Also called: PKD2-related condition.

Submissions (2):

PreventionGenetics, part of Exact Sciences
Classification: Likely pathogenic for PKD2-related condition. Last evaluated: 2025-02-22. Review status: criteria provided, single submitter. Criteria: ACMG Guidelines, 2015. Collection method: clinical testing. Allele origin: germline.
Comment: The PKD2 c.445_469del25 variant is predicted to result in a frameshift and premature protein termination (p.His149Glufs*76). To our knowledge, this variant has not been reported in the literature or in a large population database (gnomAD), indicating this variant is rare. Frameshift variants in PKD2 are expected to be pathogenic. This variant is interpreted as likely pathogenic.

Daryl Scott Lab, Baylor College of Medicine
Classification: Pathogenic for Polycystic kidney disease 2. Last evaluated: 2024-01-01. Review status: criteria provided, single submitter. Criteria: ACMG Guidelines, 2015. Collection method: clinical testing. Allele origin: unknown. Affected: yes. Observed: 1 heterozygote.
Comment: PVS1, PM2

NM_000297.4(PKD2):c.445_469del (p.His149fs)

Genes: PKD2 (polycystin 2, transient receptor potential cation channel; plus strand), LOC129992813 (ATAC-STARR-seq lymphoblastoid silent region 15559; plus strand). Cytogenetic location: 4q22.1.
Variant type: Deletion.
Coding change: c.445_469del on transcript NM_000297.4 (MANE Select); coding-DNA positions 445 to 469, 25 bases deleted (CACCCGAGCGGGAGGCGGCGCCGGC).
Protein change: p.His149fs; shifts the reading frame from histidine 149.
Molecular consequence: frameshift variant. On other transcripts: non-coding transcript variant (1).
Genome position (GRCh38, 1-based): chr4:88,008,178-88,008,202, CACCCGAGCGGGAGGCGGCGCCGGC deleted; deleting any 25 consecutive bases within chr4:88,008,175-88,008,202 gives the same sequence; the c. name uses the placement nearest the transcript's 3' end. VCF-style (leftmost placement, unchanged base first): chr4-88008174-GGGCCACCCGAGCGGGAGGCGGCGCC-G. GRCh37 (hg19) VCF-style: chr4-88929326-GGGCCACCCGAGCGGGAGGCGGCGCC-G.
Other names: c.445_469del25 (NM_000297.3); short protein forms H149fs.
Identifiers: ClinVar variation 3764620 (VCV003764620.2).